The following is an entry in ClinVar:

NM_001363.5(DKC1):c.1120G>A (p.Asp374Asn)

Gene: DKC1 (dyskerin pseudouridine synthase 1; plus strand). Cytogenetic location: Xq28.
Variant type: single nucleotide variant.
Coding change: c.1120G>A on transcript NM_001363.5 (MANE Select); coding-DNA position 1120, G replaced by A.
Protein change: p.Asp374Asn; replaces aspartic acid 374 with asparagine.
Molecular consequence: missense variant. On other transcripts: non-coding transcript variant (3).
Genome position (GRCh38, 1-based): chrX:154,773,214, G>A. VCF-style: chrX-154773214-G-A. GRCh37 (hg19) VCF-style: chrX-154001489-G-A.
Other names: c.1120G>A, p.Asp374Asn (NM_001142463.3, NM_001288747.2); short protein forms D374N.
Identifiers: ClinVar variation 3255134 (VCV003255134.1), dbSNP rs2523700189.
Genomic context (GRCh38, chrX:154,773,214, plus strand): 5'-GTCATCTCTACCTGCGACCATGGTATAGTAGCCAAGATCAAGAGAGTGATCATGGAGAGA[G>A]ACACTTACCCTCGGAAGTGGGGTTTAGGTCCAAAGGTAAGTGGTACTGGGTTGCGTGCCC-3'
Protein context (NP_001354.1, residues 364-384): AKIKRVIMER[Asp374Asn]TYPRKWGLGP

ClinVar aggregate classification (germline): Uncertain significance (1 of 4 stars; one submission).

Conditions:
Dyskeratosis congenita, X-linked (DKCX). Also called: Zinsser-Cole-Engman Syndrome. Identifiers: MedGen C1148551, MONDO:0010584, OMIM 305000.

Submission:

Victorian Clinical Genetics Services, Murdoch Childrens Research Institute
Classification: Uncertain significance for Dyskeratosis congenita, X-linked. Last evaluated: 2022-03-31. Review status: criteria provided, single submitter. Criteria: ACMG Guidelines, 2015. Collection method: clinical testing. Allele origin: germline. Inheritance: X-linked recessive inheritance. Affected: yes.
Comment: Based on the classification scheme VCGS_Germline_v1.3.4, this variant is classified as VUS-3A. Following criteria are met: 0102 - Loss of function is a known mechanism of disease in this gene and is associated with X-linked dyskeratosis congenita, XLR (MIM#305000) (I) 0109 - This gene is associated with X-linked recessive disease. (I) 0115 - Variants in this gene are known to have variable expressivity. Hoyeraal-Hreidarsson syndrome is described as the clinically severe form of dyskeratosis congenita (PMID: 25940403). (I) 0200 - Variant is predicted to result in a missense amino acid change from aspartic acid to asparagine. (I) 0253 - This variant is hemizygous. (I) 0301 - Variant is absent from gnomAD (both v2 and v3). (SP) 0502 - Missense variant with conflicting in silico predictions and high conservation. (I) 0603 - Missense variant in a region that is highly intolerant to missense variation (high constraint region in DECIPHER). (SP) 0705 - No comparable missense variants have previous evidence for pathogenicity. (I) 0807 - This variant has no previous evidence of pathogenicity. (I) 0905 - No published segregation evidence has been identified for this variant. (I) 1007 - No published functional evidence has been identified for this variant. (SP) Legend: (SP) - Supporting pathogenic, (I) - Information, (SB) - Supporting benign

Literature cited by the submitters: PubMed 25940403.